The following is an entry in ClinVar:

ClinVar aggregate classification (germline): Conflicting classifications of pathogenicity. Review status: criteria provided, conflicting classifications (1 of 4 stars). 2 submissions from 2 submitters: Uncertain significance (1); Likely benign (1). Last evaluated 2025-10-07.

Conditions:
Inborn genetic diseases. Identifiers: MedGen C0950123, MeSH D030342.
Mosaic variegated aneuploidy syndrome 1 (MVA1). Also called: Warburton-Anyane-Yeboa syndrome. Identifiers: Orphanet 1052, MedGen C1850343, MONDO:0009759, OMIM 257300.

Allele frequency attached by ClinVar (database versions not stated): gnomAD exomes below 0.00001.
gnomAD v4.1: 2 of 1,614,138 alleles (0.00012%); highest among the groups gnomAD compares: Admixed American, 0.0017%; no homozygotes.

Submissions (2):

Labcorp Genetics (formerly Invitae), Labcorp
Classification: Uncertain significance for Mosaic variegated aneuploidy syndrome 1. Last evaluated: 2025-10-07. Review status: criteria provided, single submitter. Criteria: Invitae Variant Classification Sherloc (09022015). Collection method: clinical testing. Allele origin: germline.
Comment: This sequence change replaces valine, which is neutral and non-polar, with isoleucine, which is neutral and non-polar, at codon 560 of the BUB1B protein (p.Val560Ile). This variant is present in population databases (no rsID available, gnomAD 0.003%). This variant has not been reported in the literature in individuals affected with BUB1B-related conditions. ClinVar contains an entry for this variant (Variation ID: 1440986). An algorithm developed to predict the effect of missense changes on protein structure and function outputs the following: PolyPhen-2: "Benign". The isoleucine amino acid residue is found in multiple mammalian species, which suggests that this missense change does not adversely affect protein function. In summary, the available evidence is currently insufficient to determine the role of this variant in disease. Therefore, it has been classified as a Variant of Uncertain Significance.

Ambry Genetics
Classification: Likely benign for Inborn genetic diseases. Last evaluated: 2021-08-11. Review status: criteria provided, single submitter. Criteria: Ambry Variant Classification Scheme 2023. Collection method: clinical testing. Allele origin: germline.

NM_001211.6(BUB1B):c.1678G>A (p.Val560Ile)

Gene: BUB1B (BUB1 mitotic checkpoint serine/threonine kinase B; plus strand). Cytogenetic location: 15q15.1.
Variant type: single nucleotide variant.
Coding change: c.1678G>A on transcript NM_001211.6 (MANE Select); coding-DNA position 1678, G replaced by A.
Protein change: p.Val560Ile; replaces valine 560 with isoleucine.
Molecular consequence: missense variant.
Genome position (GRCh38, 1-based): chr15:40,202,638, G>A. VCF-style: chr15-40202638-G-A. GRCh37 (hg19) VCF-style: chr15-40494839-G-A.
Other names: short protein forms V560I.
Identifiers: ClinVar variation 1440986 (VCV001440986.8), dbSNP rs1221831901, ClinGen allele CA391691628.